The following is an entry in ClinVar:

NM_001042492.3(NF1):c.5631del (p.Cys1878fs)

Gene: NF1 (neurofibromin 1; plus strand). Cytogenetic location: 17q11.2.
Variant type: Deletion.
Coding change: c.5631del on transcript NM_001042492.3 (MANE Select); coding-DNA position 5631, one base deleted (G; older notation c.5631delG).
Protein change: p.Cys1878fs; shifts the reading frame from cysteine 1878.
Molecular consequence: frameshift variant.
Genome position (GRCh38, 1-based): chr17:31,330,317, G deleted. VCF-style (leftmost placement, unchanged base first): chr17-31330316-TG-T. GRCh37 (hg19) VCF-style: chr17-29657334-TG-T.
Other names: c.5568del, p.Cys1857fs (NM_000267.4); short protein forms C1857fs, C1878fs.
Identifiers: ClinVar variation 4615820 (VCV004615820.1).

ClinVar aggregate classification (germline): Pathogenic (1 of 4 stars; one submission).

Conditions:
Cardiovascular phenotype. Identifiers: MedGen CN230736.
Hereditary cancer-predisposing syndrome. Also called: Neoplastic Syndromes, Hereditary; Tumor predisposition; Hereditary Cancer Syndrome; Hereditary neoplastic syndrome. Identifiers: Orphanet 140162, MedGen C0027672, MeSH D009386, MONDO:0015356.

Submission:

Ambry Genetics
Classification: Pathogenic for Cardiovascular phenotype; Hereditary cancer-predisposing syndrome. Last evaluated: 2025-12-01. Review status: criteria provided, single submitter. Criteria: Ambry Variant Classification Scheme 2023. Collection method: clinical testing. Allele origin: germline.
Comment: The c.5568delG pathogenic mutation, located in coding exon 38 of the NF1 gene, results from a deletion of one nucleotide at nucleotide position 5568, causing a translational frameshift with a predicted alternate stop codon (p.C1857Vfs*3). This variant was reported in individual(s) with features consistent with neurofibromatosis type 1 (Ambry internal data). This variant is considered to be rare based on population cohorts in the Genome Aggregation Database (gnomAD). This alteration is expected to result in loss of function by premature protein truncation or nonsense-mediated mRNA decay. As such, this alteration is interpreted as a disease-causing mutation.